The following is an entry in ClinVar:

NM_001186.4(BACH1):c.1492A>T (p.Ile498Phe)

Gene: BACH1 (BTB domain and CNC homolog 1; plus strand). Cytogenetic location: 21q21.3.
Variant type: single nucleotide variant.
Coding change: c.1492A>T on transcript NM_001186.4 (MANE Select); coding-DNA position 1492, A replaced by T.
Protein change: p.Ile498Phe; replaces isoleucine 498 with phenylalanine.
Molecular consequence: missense variant. On other transcripts: non-coding transcript variant (1).
Genome position (GRCh38, 1-based): chr21:29,327,316, A>T. VCF-style: chr21-29327316-A-T. GRCh37 (hg19) VCF-style: chr21-30699637-A-T.
Other names: NC_000021.8:g.30699637A>T; c.1492A>T, p.Ile498Phe (NM_206866.3); short protein forms I498F.
Identifiers: ClinVar variation 3034851 (VCV003034851.3), dbSNP rs151321858, ClinGen allele CA9993064.
Genomic context (GRCh38, chr21:29,327,316, plus strand): 5'-ATTGGAAACGATGATTATGTTTCAGAACCCCAGCAAGAACCTTGCCCATATGCTTGTGTC[A>T]TTAGCTTGGGAGACGACTCTGAGACGGACACCGAAGGAGACAGTGAATCCTGTTCAGCCA-3'
Protein context (NP_001177.1, residues 488-508): QQEPCPYACV[Ile498Phe]SLGDDSETDT

ClinVar aggregate classification (germline): Benign (0 of 4 stars; one submission).

Conditions:
BACH1-related disorder. Also called: BACH1-related condition.

Allele frequency attached by ClinVar (database versions not stated): ESP Exome Variant Server 0.00092; 1000 Genomes Project 0.00120; ExAC 0.00130; gnomAD 0.00138; TOPMed 0.00141; 1000 Genomes Project 30x 0.00172.
gnomAD v4.1: 1,606 of 1,614,244 alleles (0.099%); highest among the groups gnomAD compares: Middle Eastern, 0.59%; 19 homozygotes.

Submissions (5):

PreventionGenetics, part of Exact Sciences
Classification: Benign for BACH1-related condition. Last evaluated: 2021-04-06. Review status: no assertion criteria provided. Collection method: clinical testing. Allele origin: germline.
Comment: This variant is classified as benign based on ACMG/AMP sequence variant interpretation guidelines (Richards et al. 2015 PMID: 25741868, with internal and published modifications).

Dr. Peter K. Rogan Lab, Western University
No classification provided (evidence only). Condition: Colon adenocarcinoma. Review status: no classification provided. Collection method: in vitro. Allele origin: not applicable. Functional consequence: cryptic splice site. Not counted in ClinVar's aggregate classification.

Dr. Peter K. Rogan Lab, Western University
No classification provided (evidence only). Condition: Sarcoma. Review status: no classification provided. Collection method: in vitro. Allele origin: not applicable. Functional consequence: cryptic splice site, retained intron. Not counted in ClinVar's aggregate classification.

Dr. Peter K. Rogan Lab, Western University
No classification provided (evidence only). Condition: Sarcoma. Review status: no classification provided. Collection method: in vitro. Allele origin: not applicable. Functional consequence: skipped exon. Not counted in ClinVar's aggregate classification.

Dr. Peter K. Rogan Lab, Western University
No classification provided (evidence only). Condition: Ovarian serous cystadenocarcinoma. Review status: no classification provided. Collection method: in vitro. Allele origin: not applicable. Functional consequence: retained intron. Not counted in ClinVar's aggregate classification.